The following is an entry in ClinVar:

NM_052874.5(STX1B):c.6G>C (p.Lys2Asn)

Gene: STX1B (syntaxin 1B; minus strand). Cytogenetic location: 16p11.2.
Variant type: single nucleotide variant.
Coding change: c.6G>C on transcript NM_052874.5 (MANE Select); coding-DNA position 6, G replaced by C.
Protein change: p.Lys2Asn; replaces lysine 2 with asparagine.
Molecular consequence: missense variant.
Genome position (GRCh38, 1-based): chr16:31,010,391, C>G on the plus strand (G>C on the coding strand, the complement: STX1B is on the minus strand). VCF-style: chr16-31010391-C-G. GRCh37 (hg19) VCF-style: chr16-31021712-C-G.
Other names: short protein forms K2N.
Identifiers: ClinVar variation 3649457 (VCV003649457.2).

ClinVar aggregate classification (germline): Uncertain significance (1 of 4 stars; one submission).

Conditions:
Generalized epilepsy with febrile seizures plus, type 9 (GEFSP9). Also called: GEFS+, TYPE 9. Identifiers: Orphanet 36387, MedGen C4015395, MONDO:0014517, OMIM 616172.

Submission:

Labcorp Genetics (formerly Invitae), Labcorp
Classification: Uncertain significance for Generalized epilepsy with febrile seizures plus, type 9. Last evaluated: 2024-04-10. Review status: criteria provided, single submitter. Criteria: Invitae Variant Classification Sherloc (09022015). Collection method: clinical testing. Allele origin: germline.
Comment: This sequence change replaces lysine, which is basic and polar, with asparagine, which is neutral and polar, at codon 2 of the STX1B protein (p.Lys2Asn). This variant is not present in population databases (gnomAD no frequency). This variant has not been reported in the literature in individuals affected with STX1B-related conditions. An algorithm developed to predict the effect of missense changes on protein structure and function (PolyPhen-2) suggests that this variant is likely to be disruptive. In summary, the available evidence is currently insufficient to determine the role of this variant in disease. Therefore, it has been classified as a Variant of Uncertain Significance.